The following is an entry in ClinVar:

NM_007055.4(POLR3A):c.287G>A (p.Gly96Glu)

Genes: POLR3A (RNA polymerase III subunit A; minus strand), LOC126860971 (CDK7 strongly-dependent group 2 enhancer GRCh37_chr10:79784551-79785750; plus strand). Cytogenetic location: 10q22.3.
Variant type: single nucleotide variant.
Coding change: c.287G>A on transcript NM_007055.4 (MANE Select); coding-DNA position 287, G replaced by A.
Protein change: p.Gly96Glu; replaces glycine 96 with glutamic acid.
Molecular consequence: missense variant.
Genome position (GRCh38, 1-based): chr10:78,025,653, C>T on the plus strand (G>A on the coding strand, the complement: POLR3A is on the minus strand). VCF-style: chr10-78025653-C-T. GRCh37 (hg19) VCF-style: chr10-79785411-C-T.
Other names: short protein forms G96E.
Identifiers: ClinVar variation 3608913 (VCV003608913.2).

ClinVar aggregate classification (germline): Uncertain significance (1 of 4 stars; one submission).

gnomAD v4.1: 6 of 1,614,104 alleles (0.00037%); highest among the groups gnomAD compares: Non-Finnish European, 0.00051%; no homozygotes.

Submission:

Labcorp Genetics (formerly Invitae), Labcorp
Classification: Uncertain significance. Last evaluated: 2025-10-09. Review status: criteria provided, single submitter. Criteria: Invitae Variant Classification Sherloc (09022015). Collection method: clinical testing. Allele origin: germline.
Comment: This sequence change replaces glycine, which is neutral and non-polar, with glutamic acid, which is acidic and polar, at codon 96 of the POLR3A protein (p.Gly96Glu). This variant is present in population databases (rs773996876, gnomAD 0.002%). This variant has not been reported in the literature in individuals affected with POLR3A-related conditions. ClinVar contains an entry for this variant (Variation ID: 3608913). Invitae Evidence Modeling of protein sequence and biophysical properties (such as structural, functional, and spatial information, amino acid conservation, physicochemical variation, residue mobility, and thermodynamic stability) indicates that this missense variant is expected to disrupt POLR3A protein function with a positive predictive value of 80%. In summary, the available evidence is currently insufficient to determine the role of this variant in disease. Therefore, it has been classified as a Variant of Uncertain Significance.